The following is an entry in ClinVar:

ClinVar aggregate classification (germline): Likely pathogenic (1 of 4 stars; one submission).

Conditions:
Galactosemia. Also called: Galactose intolerance. Identifiers: Orphanet 352, MedGen C0016952, MONDO:0018116, HP:0004919. Disease mechanism: loss of function.

Submission:

Natera, Inc.
Classification: Likely pathogenic for Galactosemia. Last evaluated: 2024-12-23. Review status: criteria provided, single submitter. Criteria: Natera Variant Classification Schema (03/2026). Collection method: clinical testing. Allele origin: germline.
Comment: The c.454del variant in GALT is a frameshift variant predicted to shift the reading frame beginning at codon 152 and leads to a stop codon 26 codons downstream. This variant is expected to result in nonsense mediated decay, truncation, or a dysfunctional protein product. This variant is rare in the general population with a frequency below the threshold expected for the associated phenotype(s). Given the available evidence, this variant is classified as Likely Pathogenic.

NM_000155.4(GALT):c.454del (p.Asp152fs)

Gene: GALT (galactose-1-phosphate uridylyltransferase; plus strand). Cytogenetic location: 9p13.3.
Variant type: Deletion.
Coding change: c.454del on transcript NM_000155.4 (MANE Select); coding-DNA position 454, one base deleted (G; older notation c.454delG).
Protein change: p.Asp152fs; shifts the reading frame from aspartic acid 152.
Molecular consequence: frameshift variant.
Genome position (GRCh38, 1-based): chr9:34,647,908, G deleted. VCF-style (leftmost placement, unchanged base first): chr9-34647907-TG-T. GRCh37 (hg19) VCF-style: chr9-34647904-TG-T.
Other names: c.127del, p.Asp43fs (NM_001258332.2); short protein forms D152fs, D43fs.
Identifiers: ClinVar variation 4817630 (VCV004817630.1).